The following is an entry in ClinVar:

ClinVar aggregate classification (germline): Uncertain significance (1 of 4 stars; one submission).

Conditions:
Joubert syndrome 23 (JBTS23). Identifiers: Orphanet 475, MedGen C4084822, MONDO:0014664, OMIM 616490.
Short-rib thoracic dysplasia 14 with polydactyly (SRTD14). Identifiers: Orphanet 397715, MedGen C4225286, MONDO:0014688, OMIM 616546.

Allele frequency attached by ClinVar (database versions not stated): gnomAD exomes below 0.00001; ExAC 0.00001; gnomAD 0.00001; TOPMed 0.00001; ESP Exome Variant Server 0.00008.
gnomAD v4.1: 1 of 1,613,090 alleles (0.000062%); highest among the groups gnomAD compares: African/African-American, 0.0013%; no homozygotes.

Submission:

Labcorp Genetics (formerly Invitae), Labcorp
Classification: Uncertain significance for Joubert syndrome 23; Short-rib thoracic dysplasia 14 with polydactyly. Last evaluated: 2022-10-04. Review status: criteria provided, single submitter. Criteria: Invitae Variant Classification Sherloc (09022015). Collection method: clinical testing. Allele origin: germline.
Comment: In summary, the available evidence is currently insufficient to determine the role of this variant in disease. Therefore, it has been classified as a Variant of Uncertain Significance. Algorithms developed to predict the effect of sequence changes on RNA splicing suggest that this variant may disrupt the consensus splice site. Advanced modeling of protein sequence and biophysical properties (such as structural, functional, and spatial information, amino acid conservation, physicochemical variation, residue mobility, and thermodynamic stability) performed at Invitae indicates that this missense variant is not expected to disrupt KIAA0586 protein function. ClinVar contains an entry for this variant (Variation ID: 1469694). This variant has not been reported in the literature in individuals affected with KIAA0586-related conditions. The frequency data for this variant in the population databases is considered unreliable, as metrics indicate poor data quality at this position in the gnomAD database. This sequence change replaces aspartic acid, which is acidic and polar, with glycine, which is neutral and non-polar, at codon 761 of the KIAA0586 protein (p.Asp761Gly).

NM_001329943.3(KIAA0586):c.2123A>G (p.Asp708Gly)

Gene: KIAA0586 (KIAA0586; plus strand). Cytogenetic location: 14q23.1.
Variant type: single nucleotide variant.
Coding change: c.2123A>G on transcript NM_001329943.3 (MANE Select); coding-DNA position 2123, A replaced by G.
Protein change: p.Asp708Gly; replaces aspartic acid 708 with glycine.
Molecular consequence: missense variant.
Genome position (GRCh38, 1-based): chr14:58,465,898, A>G. VCF-style: chr14-58465898-A-G. GRCh37 (hg19) VCF-style: chr14-58932616-A-G.
Other names: c.2282A>G, p.Asp761Gly (NM_001244189.2); c.2078A>G, p.Asp693Gly (NM_001244190.2); c.1868A>G, p.Asp623Gly (NM_001244191.2, NM_001329945.2, NM_001364700.1 and 1 more transcripts); c.1991A>G, p.Asp664Gly (NM_001244192.2); c.1703A>G, p.Asp568Gly (NM_001244193.2); c.2123A>G, p.Asp708Gly (NM_001329944.2, NM_001329946.2, NM_001329947.2); c.1895A>G, p.Asp632Gly (NM_014749.5); short protein forms D708G, D623G, D568G, D632G, D664G, D693G, D761G.
Identifiers: ClinVar variation 1469694 (VCV001469694.8), dbSNP rs373601253, ClinGen allele CA7205790.